The following is an entry in ClinVar:

ClinVar aggregate classification (germline): Uncertain significance (1 of 4 stars; one submission).

Conditions:
Sitosterolemia (STSL). Also called: PHYTOSTEROLEMIA. Identifiers: Orphanet 2882, MedGen C0342907, MONDO:0008863.

gnomAD v4.1: 1 of 1,613,982 alleles (0.000062%); highest among the groups gnomAD compares: African/African-American, 0.0013%; no homozygotes.

Submission:

Labcorp Genetics (formerly Invitae), Labcorp
Classification: Uncertain significance for Sitosterolemia. Last evaluated: 2025-06-22. Review status: criteria provided, single submitter. Criteria: Invitae Variant Classification Sherloc (09022015). Collection method: clinical testing. Allele origin: germline.
Comment: This sequence change replaces isoleucine, which is neutral and non-polar, with valine, which is neutral and non-polar, at codon 84 of the ABCG5 protein (p.Ile84Val). This variant is not present in population databases (gnomAD no frequency). This variant has not been reported in the literature in individuals affected with ABCG5-related conditions. An algorithm developed to predict the effect of missense changes on protein structure and function (PolyPhen-2) suggests that this variant is likely to be tolerated. In summary, the available evidence is currently insufficient to determine the role of this variant in disease. Therefore, it has been classified as a Variant of Uncertain Significance.

NM_022436.3(ABCG5):c.250A>G (p.Ile84Val)

Gene: ABCG5 (ATP binding cassette subfamily G member 5; minus strand). Cytogenetic location: 2p21.
Variant type: single nucleotide variant.
Coding change: c.250A>G on transcript NM_022436.3 (MANE Select); coding-DNA position 250, A replaced by G.
Protein change: p.Ile84Val; replaces isoleucine 84 with valine.
Molecular consequence: missense variant.
Genome position (GRCh38, 1-based): chr2:43,837,849, T>C on the plus strand (A>G on the coding strand, the complement: ABCG5 is on the minus strand). VCF-style: chr2-43837849-T-C. GRCh37 (hg19) VCF-style: chr2-44064988-T-C.
Other names: short protein forms I84V.
Identifiers: ClinVar variation 4766250 (VCV004766250.1).